The following is an entry in ClinVar:

NM_017635.5(KMT5B):c.559C>A (p.Arg187=)

Gene: KMT5B (lysine methyltransferase 5B; minus strand). Cytogenetic location: 11q13.2.
Variant type: single nucleotide variant.
Coding change: c.559C>A on transcript NM_017635.5 (MANE Select); coding-DNA position 559, C replaced by A.
Protein change: p.Arg187=; no amino-acid change (arginine 187 retained).
Molecular consequence: synonymous variant. On other transcripts: 5 prime UTR variant (1), non-coding transcript variant (3).
Genome position (GRCh38, 1-based): chr11:68,173,898, G>T on the plus strand (C>A on the coding strand, the complement: KMT5B is on the minus strand). VCF-style: chr11-68173898-G-T. GRCh37 (hg19) VCF-style: chr11-67941365-G-T.
Other names: c.43C>A, p.Arg15= (NM_001300907.1, NM_001369424.1, NM_001369428.1 and 5 more transcripts); c.-109C>A (NM_001300908.2); c.490C>A, p.Arg164= (NM_001300909.2); c.559C>A, p.Arg187= (NM_001363566.2, NM_001369426.1, NM_001369427.1 and 1 more transcripts); c.346C>A, p.Arg116= (NM_001369425.1).
Identifiers: ClinVar variation 778540 (VCV000778540.30), dbSNP rs114727354, ClinGen allele CA6148374.

ClinVar aggregate classification (germline): Benign. Review status: criteria provided, multiple submitters, no conflicts (2 of 4 stars). 4 submissions from 4 submitters: Benign (3). 1 of the submissions does not count toward it. Last evaluated 2023-01-01.

Conditions:
KMT5B-related disorder. Also called: KMT5B-related condition.

Allele frequency attached by ClinVar (database versions not stated): gnomAD exomes 0.00190 and 0.00437; ExAC 0.00501; 1000 Genomes Project 30x 0.01015; 1000 Genomes Project 0.01038; gnomAD 0.01307 and 0.01415; ESP Exome Variant Server 0.01387; TOPMed 0.01513.
gnomAD v4.1: 4,903 of 1,604,508 alleles (0.31%); highest among the groups gnomAD compares: African/African-American, 4.1%; 77 homozygotes.

Submissions (4):

CeGaT Center for Human Genetics Tuebingen
Classification: Benign. Last evaluated: 2023-01-01. Review status: criteria provided, single submitter. Criteria: CeGaT Center For Human Genetics Tuebingen Variant Classification Criteria Version 2. Collection method: clinical testing. Allele origin: germline. Affected: yes. Observed: 1 variant allele.
Comment: KMT5B: BP4, BP7, BS1, BS2

Labcorp Genetics (formerly Invitae), Labcorp
Classification: Benign. Last evaluated: 2019-12-31. Review status: criteria provided, single submitter. Criteria: Invitae Variant Classification Sherloc (09022015). Collection method: clinical testing. Allele origin: germline.

Breakthrough Genomics
Classification: Benign. Review status: criteria provided, single submitter. Criteria: ACMG Guidelines, 2015. Collection method: not provided. Allele origin: germline. Inheritance: Autosomal dominant inheritance. Affected: yes.

PreventionGenetics, part of Exact Sciences
Classification: Benign for KMT5B-related condition. Last evaluated: 2020-01-20. Review status: no assertion criteria provided. Collection method: clinical testing. Allele origin: germline. Not counted in ClinVar's aggregate classification.
Comment: This variant is classified as benign based on ACMG/AMP sequence variant interpretation guidelines (Richards et al. 2015 PMID: 25741868, with internal and published modifications).